The following is an entry in ClinVar:

NM_001876.4(CPT1A):c.1845C>T (p.Phe615=)

Gene: CPT1A (carnitine palmitoyltransferase 1A; minus strand). Cytogenetic location: 11q13.3.
Variant type: single nucleotide variant.
Coding change: c.1845C>T on transcript NM_001876.4 (MANE Select); coding-DNA position 1845, C replaced by T.
Protein change: p.Phe615=; no amino-acid change (phenylalanine 615 retained).
Molecular consequence: synonymous variant.
Genome position (GRCh38, 1-based): chr11:68,762,657, G>A on the plus strand (C>T on the coding strand, the complement: CPT1A is on the minus strand). VCF-style: chr11-68762657-G-A. GRCh37 (hg19) VCF-style: chr11-68530125-G-A.
Other names: c.1845C>T, p.Phe615= (NM_001031847.3).
Identifiers: ClinVar variation 749675 (VCV000749675.17), dbSNP rs144747588, ClinGen allele CA6152187.
Genomic context (GRCh38, chr11:68,762,657, plus strand): 5'-CGTTGTGTCCTCAGCCTGATGGCACATTACCGTCTGGGCCGGGTCCACCATGGCCCGCAC[G>A]AAGTCGCATGACTCAGTGGTGCAGGAGCGCACGGTCTCCGTCCTCCCCTCTCGGAAGAGC-3'
Protein context (NP_001867.2, residues 605-625): VRSCTTESCD[Phe615=]VRAMVDPAQT

ClinVar aggregate classification (germline): Likely benign. Review status: criteria provided, single submitter (1 of 4 stars). 3 submissions from 3 submitters: Likely benign (1). 2 of the submissions do not count toward it. Last evaluated 2025-08-24.

Conditions:
CPT1A-related disorder. Also called: CPT1A-related condition.
Carnitine palmitoyl transferase 1A deficiency. Also called: Carnitine palmitoyltransferase type I deficiency; CPT deficiency, hepatic, type IA; CPT I DEFICIENCY; CPT DEFICIENCY, HEPATIC, TYPE I; Carnitine palmitoyltransferase 1A deficiency. Identifiers: Orphanet 156, MedGen C1829703, MONDO:0009705, OMIM 255120.

Allele frequency attached by ClinVar (database versions not stated): ExAC 0.00005; gnomAD 0.00005 and 0.00006; TOPMed 0.00006; 1000 Genomes Project 30x 0.00016; 1000 Genomes Project 0.00020.
gnomAD v4.1: 66 of 1,613,892 alleles (0.0041%); highest among the groups gnomAD compares: African/African-American, 0.0053%; no homozygotes.

Submissions (3):

Labcorp Genetics (formerly Invitae), Labcorp
Classification: Likely benign for Carnitine palmitoyl transferase 1A deficiency. Last evaluated: 2025-08-24. Review status: criteria provided, single submitter. Criteria: Invitae Variant Classification Sherloc (09022015). Collection method: clinical testing. Allele origin: germline.

Natera, Inc.
Classification: Likely benign for Carnitine palmitoyltransferase type I deficiency. Last evaluated: 2020-10-20. Review status: no assertion criteria provided. Collection method: clinical testing. Allele origin: germline. Not counted in ClinVar's aggregate classification.

PreventionGenetics, part of Exact Sciences
Classification: Likely benign for CPT1A-related condition. Last evaluated: 2019-03-22. Review status: no assertion criteria provided. Collection method: clinical testing. Allele origin: germline. Not counted in ClinVar's aggregate classification.
Comment: This variant is classified as likely benign based on ACMG/AMP sequence variant interpretation guidelines (Richards et al. 2015 PMID: 25741868, with internal and published modifications).